The following is an entry in ClinVar:

NM_001292034.3(TAB2):c.255G>C (p.Gln85His)

Gene: TAB2 (TGF-beta activated kinase 1 (MAP3K7) binding protein 2; plus strand). Cytogenetic location: 6q25.1.
Variant type: single nucleotide variant.
Coding change: c.255G>C on transcript NM_001292034.3 (MANE Select); coding-DNA position 255, G replaced by C.
Protein change: p.Gln85His; replaces glutamine 85 with histidine.
Molecular consequence: missense variant.
Genome position (GRCh38, 1-based): chr6:149,378,170, G>C. VCF-style: chr6-149378170-G-C. GRCh37 (hg19) VCF-style: chr6-149699306-G-C.
Other names: c.159G>C, p.Gln53His (NM_001292035.3); c.255G>C, p.Gln85His (NM_001369506.1, NM_015093.6); short protein forms Q53H, Q85H.
Identifiers: ClinVar variation 1699675 (VCV001699675.3), dbSNP rs2114882669, ClinGen allele CA365993167.
Genomic context (GRCh38, chr6:149,378,170, plus strand): 5'-TTCTGGAATTTCTGGTCTACGCAATCACATGACTTCTCTCAACTTGGACTTGCAATCACA[G>C]AACATTTACCACCATGGAAGAGAAGGAAGTAGGATGAATGGAAGTAGGACTCTAACGCAC-3'
Protein context (NP_001278963.1, residues 75-95): MTSLNLDLQS[Gln85His]NIYHHGREGS

ClinVar aggregate classification (germline): Uncertain significance (1 of 4 stars; one submission).

Submission:

GeneDx
Classification: Uncertain significance. Last evaluated: 2022-08-31. Review status: criteria provided, single submitter. Criteria: GeneDx Variant Classification Process June 2021. Collection method: clinical testing. Allele origin: germline.
Comment: Not observed at significant frequency in large population cohorts (gnomAD); In silico analysis supports that this missense variant does not alter protein structure/function; Has not been previously published as pathogenic or benign to our knowledge